The following is an entry in ClinVar:

ClinVar aggregate classification (germline): Likely pathogenic (1 of 4 stars; one submission).

Conditions:
Osteogenesis imperfecta type 7 (OI7). Also called: OI type 7; OI type VII; OSTEOGENESIS IMPERFECTA, TYPE IIB; Osteogenesis imperfecta type 2B; OI type 2B; Osteogenesis imperfecta, perinatal lethal autosomal recessive. Identifiers: MedGen C1853162, MONDO:0012536, OMIM 610682.

Submission:

HUSP Clinical Genetics Laboratory, Hospital Universitario San Pedro De Logroño (HUSP)
Classification: Likely pathogenic for Osteogenesis imperfecta type 7. Review status: criteria provided, single submitter. Criteria: ACMG Guidelines, 2015. Collection method: clinical testing. Allele origin: unknown. Inheritance: Autosomal recessive inheritance. Affected: yes. Observed: 1 variant allele.
Comment: It results in a frameshift, a premature termination codon and, therefore, a truncated protein (p.Ala318SerfsTer7). This variant is not detected in general population and has not been reported in pathogenic data bases. Pathogenic variants in CRTAP have been associated with Osteogenesis imperfecta, type VII (OMIM: 610682). This clinical entity is characterized by bone fragility and low bone mass from severe to lethal. The inheritance pattern is autosomal recessive.

NM_006371.5(CRTAP):c.952_953del (p.Ala318fs)

Gene: CRTAP (cartilage associated protein; plus strand). Cytogenetic location: 3p22.3.
Variant type: Deletion.
Coding change: c.952_953del on transcript NM_006371.5 (MANE Select); coding-DNA positions 952 to 953, 2 bases deleted (GC; older notation c.952_953delGC).
Protein change: p.Ala318fs; shifts the reading frame from alanine 318.
Molecular consequence: frameshift variant.
Genome position (GRCh38, 1-based): chr3:33,132,584-33,132,585, GC deleted. VCF-style (leftmost placement, unchanged base first): chr3-33132583-TGC-T. GRCh37 (hg19) VCF-style: chr3-33174075-TGC-T.
Other names: c.952_953del, p.Ala318fs (NM_001393363.1); c.823_824del, p.Ala275fs (NM_001393364.1); c.802_803del, p.Ala268fs (NM_001393365.1); c.952_953delGC (NM_006371.5); short protein forms A268fs, A275fs, A318fs.
Identifiers: ClinVar variation 3237183 (VCV003237183.1), dbSNP rs2471585421.
Genomic context (GRCh38, chr3:33,132,583, plus strand): 5'-TTTCTTCATTTGTCTTTTCTTCCCAACCCTAGTGAACGACCTGAAGAATGCAGCCCCCTG[TGC>T]AGTCAGCTATCTGCTCTTTGATCAGAATGACAAGGTCATGCAGCAGAACCTGGTGTATTA-3'